The following is an entry in ClinVar:

ClinVar aggregate classification (germline): Uncertain significance. Review status: criteria provided, multiple submitters, no conflicts (2 of 4 stars). 3 submissions from 3 submitters: Uncertain significance (3). Last evaluated 2023-07-13.

Conditions:
Noonan syndrome 1 (NS1). Also called: FEMALE PSEUDO-TURNER SYNDROME; TURNER PHENOTYPE WITH NORMAL KARYOTYPE; PTPN11-Related Noonan Syndrome. Identifiers: Orphanet 648, MedGen C4551602, MONDO:0008104, OMIM 163950. Disease mechanism: gain of function.
LEOPARD syndrome 3 (LPRD3). Identifiers: Orphanet 500, MedGen C3150971, MONDO:0013380, OMIM 613707.
Noonan syndrome 7 (NS7). Also called: BRAF-Related Noonan Syndrome. Identifiers: Orphanet 648, MedGen C3150970, MONDO:0013379, OMIM 613706.
Cardiofaciocutaneous syndrome 1 (CFC1). Also called: BRAF-Related Cardiofaciocutaneous Syndrome. Identifiers: Orphanet 1340, MedGen CN029449, MONDO:0007265, OMIM 115150. Disease mechanism: gain of function.
Lung carcinoma. Identifiers: MedGen C0684249, MONDO:0005138.
RASopathy. Also called: rasopathies; Noonan spectrum disorder. Identifiers: Orphanet 536391, MedGen C5555857, MONDO:0021060.

Submissions (3):

Labcorp Genetics (formerly Invitae), Labcorp
Classification: Uncertain significance for RASopathy. Last evaluated: 2023-07-13. Review status: criteria provided, single submitter. Criteria: Invitae Variant Classification Sherloc (09022015). Collection method: clinical testing. Allele origin: germline.
Comment: This sequence change replaces tyrosine, which is neutral and polar, with cysteine, which is neutral and slightly polar, at codon 647 of the BRAF protein (p.Tyr647Cys). This variant is not present in population databases (gnomAD no frequency). This variant has not been reported in the literature in individuals affected with BRAF-related conditions. ClinVar contains an entry for this variant (Variation ID: 561797). Advanced modeling of protein sequence and biophysical properties (such as structural, functional, and spatial information, amino acid conservation, physicochemical variation, residue mobility, and thermodynamic stability) performed at Invitae indicates that this missense variant is expected to disrupt BRAF protein function. In summary, the available evidence is currently insufficient to determine the role of this variant in disease. Therefore, it has been classified as a Variant of Uncertain Significance.

Fulgent Genetics
Classification: Uncertain significance for Cardiofaciocutaneous syndrome 1; Noonan syndrome 1; Lung cancer; Noonan syndrome 7; LEOPARD syndrome 3. Last evaluated: 2018-10-31. Review status: criteria provided, single submitter. Criteria: ACMG Guidelines, 2015. Collection method: clinical testing. Allele origin: unknown.

GeneDx
Classification: Uncertain significance. Last evaluated: 2018-04-30. Review status: criteria provided, single submitter. Criteria: GeneDx Variant Classification (06012015). Collection method: clinical testing. Allele origin: germline. Affected: yes.
Comment: A variant of uncertain significance has been identified in the BRAF gene. The Y647C variant has not been published as pathogenic or been reported as benign to our knowledge. This variant is not observed in large population cohorts (Lek et al., 2016). The Y647C variant is a non-conservative amino acid substitution, which is likely to impact secondary protein structure as these residues differ in polarity, charge, size and/or other properties. In-silico analyses, including protein predictors and evolutionary conservation, support a deleterious effect. However, based on the currently available information, it is unclear whether this variant is pathogenic or rare benign.

NM_004333.6(BRAF):c.1940A>G (p.Tyr647Cys)

Gene: BRAF (B-Raf proto-oncogene, serine/threonine kinase; minus strand). Cytogenetic location: 7q34.
Variant type: single nucleotide variant.
Coding change: c.1940A>G on transcript NM_004333.6 (MANE Select); coding-DNA position 1940, A replaced by G.
Protein change: p.Tyr647Cys; replaces tyrosine 647 with cysteine.
Molecular consequence: missense variant.
Genome position (GRCh38, 1-based): chr7:140,749,339, T>C on the plus strand (A>G on the coding strand, the complement: BRAF is on the minus strand). VCF-style: chr7-140749339-T-C. GRCh37 (hg19) VCF-style: chr7-140449139-T-C.
Other names: c.1940A>G, p.Tyr647Cys (NM_001354609.2, NM_001378468.1, NM_001378474.1); c.2060A>G, p.Tyr687Cys (NM_001374244.1, NM_001374258.1); c.1949A>G, p.Tyr650Cys (NM_001378467.1); c.1874A>G, p.Tyr625Cys (NM_001378469.1); c.1838A>G, p.Tyr613Cys (NM_001378470.1); c.1829A>G, p.Tyr610Cys (NM_001378471.1); c.1784A>G, p.Tyr595Cys (NM_001378472.1, NM_001378473.1); c.1676A>G, p.Tyr559Cys (NM_001378475.1); short protein forms Y647C, Y559C, Y595C, Y610C, Y613C, Y625C, Y650C, Y687C.
Identifiers: ClinVar variation 561797 (VCV000561797.5), dbSNP rs1562939198, ClinGen allele CA369540721.